The following is an entry in ClinVar:

NM_004006.3(DMD):c.4563G>A (p.Met1521Ile)

Gene: DMD (dystrophin; minus strand). Cytogenetic location: Xp21.1.
Variant type: single nucleotide variant.
Coding change: c.4563G>A on transcript NM_004006.3 (MANE Select); coding-DNA position 4563, G replaced by A.
Protein change: p.Met1521Ile; replaces methionine 1521 with isoleucine.
Molecular consequence: missense variant.
Genome position (GRCh38, 1-based): chrX:32,386,421, C>T on the plus strand (G>A on the coding strand, the complement: DMD is on the minus strand). VCF-style: chrX-32386421-C-T. GRCh37 (hg19) VCF-style: chrX-32404538-C-T.
Other names: c.4539G>A, p.Met1513Ile (NM_000109.4); c.4551G>A, p.Met1517Ile (NM_004009.3); c.4194G>A, p.Met1398Ile (NM_004010.3); c.540G>A, p.Met180Ile (NM_004011.4); c.531G>A, p.Met177Ile (NM_004012.4); short protein forms M180I, M177I, M1513I, M1517I, M1521I, M1398I.
Identifiers: ClinVar variation 945083 (VCV000945083.12), dbSNP rs138984555, ClinGen allele CA10378917.

ClinVar aggregate classification (germline): Conflicting classifications of pathogenicity. Review status: criteria provided, conflicting classifications (1 of 4 stars). 3 submissions from 3 submitters: Uncertain significance (2); Likely benign (1). Last evaluated 2026-03-17.

Conditions:
Cardiovascular phenotype. Identifiers: MedGen CN230736.
Duchenne muscular dystrophy (DMD). Also called: Duchenne Muscular Dystrophy (DMD); MUSCULAR DYSTROPHY, PSEUDOHYPERTROPHIC PROGRESSIVE, DUCHENNE TYPE. Identifiers: Orphanet 98896, MedGen C0013264, MONDO:0010679, OMIM 310200.

Allele frequency attached by ClinVar (database versions not stated): ExAC 0.00002; gnomAD exomes 0.00002 and 0.00004; TOPMed 0.00002; gnomAD 0.00003; ESP Exome Variant Server 0.00009.

Submissions (3):

Ambry Genetics
Classification: Likely benign for Cardiovascular phenotype. Last evaluated: 2026-03-17. Review status: criteria provided, single submitter. Criteria: Ambry Variant Classification Scheme 2023. Collection method: clinical testing. Allele origin: germline.

Labcorp Genetics (formerly Invitae), Labcorp
Classification: Uncertain significance for Duchenne muscular dystrophy. Last evaluated: 2024-10-21. Review status: criteria provided, single submitter. Criteria: Invitae Variant Classification Sherloc (09022015). Collection method: clinical testing. Allele origin: germline.
Comment: This sequence change replaces methionine, which is neutral and non-polar, with isoleucine, which is neutral and non-polar, at codon 1521 of the DMD protein (p.Met1521Ile). This variant is present in population databases (rs138984555, gnomAD 0.01%). This missense change has been observed in individual(s) with dilated cardiomyopathy (PMID: 31983221). ClinVar contains an entry for this variant (Variation ID: 945083). Invitae Evidence Modeling of protein sequence and biophysical properties (such as structural, functional, and spatial information, amino acid conservation, physicochemical variation, residue mobility, and thermodynamic stability) indicates that this missense variant is not expected to disrupt DMD protein function with a negative predictive value of 95%. In summary, the available evidence is currently insufficient to determine the role of this variant in disease. Therefore, it has been classified as a Variant of Uncertain Significance.

Revvity Omics, Revvity
Classification: Uncertain significance. Last evaluated: 2019-06-24. Review status: criteria provided, single submitter. Criteria: ACMG Guidelines, 2015. Collection method: clinical testing. Allele origin: germline.

Literature cited by the submitters: PubMed 31983221 (cited by Labcorp Genetics (formerly Invitae), Labcorp).